The following is an entry in ClinVar:

NM_014874.4(MFN2):c.1043G>A (p.Cys348Tyr)

Gene: MFN2 (mitofusin 2; plus strand). Cytogenetic location: 1p36.22.
Variant type: single nucleotide variant.
Coding change: c.1043G>A on transcript NM_014874.4 (MANE Select); coding-DNA position 1043, G replaced by A.
Protein change: p.Cys348Tyr; replaces cysteine 348 with tyrosine.
Molecular consequence: missense variant.
Genome position (GRCh38, 1-based): chr1:12,001,986, G>A. VCF-style: chr1-12001986-G-A. GRCh37 (hg19) VCF-style: chr1-12062043-G-A.
Other names: c.1043G>A, p.Cys348Tyr (NM_001127660.2); short protein forms C348Y.
Identifiers: ClinVar variation 3658095 (VCV003658095.2).
Genomic context (GRCh38, chr1:12,001,986, plus strand): 5'-CTTGGTTGTAGGCCCCTGGTGGCCCCCACCTCCCTCCGTGCCTCTGTGTGTTCCAGGAGT[G>A]CATCTCCCAGTCTGCAGTGAAGACCAAGTTTGAGCAGCACACGGTCCGGGCCAAGCAGAT-3'
Protein context (NP_055689.1, residues 338-358): FQNFERRFEE[Cys348Tyr]ISQSAVKTKF

ClinVar aggregate classification (germline): Uncertain significance (1 of 4 stars; one submission).

Conditions:
Charcot-Marie-Tooth disease type 2. Also called: Charcot-Marie-Tooth type 2. Identifiers: Orphanet 64746, MedGen C0270914, MONDO:0018993.

Submission:

Labcorp Genetics (formerly Invitae), Labcorp
Classification: Uncertain significance for Charcot-Marie-Tooth disease type 2. Last evaluated: 2024-08-10. Review status: criteria provided, single submitter. Criteria: Invitae Variant Classification Sherloc (09022015). Collection method: clinical testing. Allele origin: germline.
Comment: This sequence change replaces cysteine, which is neutral and slightly polar, with tyrosine, which is neutral and polar, at codon 348 of the MFN2 protein (p.Cys348Tyr). This variant is not present in population databases (gnomAD no frequency). This variant has not been reported in the literature in individuals affected with MFN2-related conditions. Advanced modeling of protein sequence and biophysical properties (such as structural, functional, and spatial information, amino acid conservation, physicochemical variation, residue mobility, and thermodynamic stability) performed at Invitae indicates that this missense variant is expected to disrupt MFN2 protein function with a positive predictive value of 95%. In summary, the available evidence is currently insufficient to determine the role of this variant in disease. Therefore, it has been classified as a Variant of Uncertain Significance.